The following is an entry in ClinVar:

ClinVar aggregate classification (germline): Benign/Likely benign. Review status: criteria provided, multiple submitters, no conflicts (2 of 4 stars). 7 submissions from 5 submitters: Benign (2); Likely benign (5). Last evaluated 2026-02-04.

Conditions:
Complement component 3 deficiency. Identifiers: Orphanet 280133, MedGen C3151071, MONDO:0013417, OMIM 613779.
Age related macular degeneration 9. Identifiers: MedGen C1969651, MONDO:0012659, OMIM 611378.
Atypical hemolytic-uremic syndrome with C3 anomaly. Also called: AHUS, SUSCEPTIBILITY TO, 5. Identifiers: Orphanet 2134, MedGen C2752037, MONDO:0013043, OMIM 612925.

Allele frequency attached by ClinVar (database versions not stated): 1000 Genomes Project 0.00080; 1000 Genomes Project 30x 0.00094; TOPMed 0.00171; gnomAD 0.00192; ESP Exome Variant Server 0.00213.
gnomAD v4.1: 492 of 1,605,556 alleles (0.031%); highest among the groups gnomAD compares: African/African-American, 0.63%; 2 homozygotes.

Submissions (7):

Women's Health and Genetics/Laboratory Corporation of America, LabCorp
Classification: Likely benign. Last evaluated: 2026-02-04. Review status: criteria provided, single submitter. Criteria: LabCorp Variant Classification Summary - May 2015. Collection method: clinical testing. Allele origin: germline.

Labcorp Genetics (formerly Invitae), Labcorp
Classification: Benign. Last evaluated: 2026-01-14. Review status: criteria provided, single submitter. Criteria: Invitae Variant Classification Sherloc (09022015). Collection method: clinical testing. Allele origin: germline.

Blueprint Genetics
Classification: Likely benign. Last evaluated: 2023-10-30. Review status: criteria provided, single submitter. Criteria: ACMG Guidelines, 2015. Collection method: clinical testing. Allele origin: germline.

Fulgent Genetics
Classification: Likely benign for Age related macular degeneration 9; Atypical hemolytic-uremic syndrome with C3 anomaly; Complement component 3 deficiency. Last evaluated: 2021-09-02. Review status: criteria provided, single submitter. Criteria: ACMG Guidelines, 2015. Collection method: clinical testing. Allele origin: unknown.

Illumina Laboratory Services, Illumina
Classification: Likely benign for Complement component 3 deficiency. Last evaluated: 2018-01-12. Review status: criteria provided, single submitter. Criteria: ICSL Variant Classification Criteria 13 December 2019. Collection method: clinical testing. Allele origin: germline.
Comment: This variant was observed in the ICSL laboratory as part of a predisposition screen in an ostensibly healthy population. It had not been previously curated by ICSL or reported in the Human Gene Mutation Database (HGMD: prior to June 1st, 2018), and was therefore a candidate for classification through an automated scoring system. Utilizing variant allele frequency, disease prevalence and penetrance estimates, and inheritance mode, an automated score was calculated to assess if this variant is too frequent to cause the disease. Based on the score and internal cut-off values, a variant classified as likely benign is not then subjected to further curation. The score for this variant resulted in a classification of likely benign for this disease.

Illumina Laboratory Services, Illumina
Classification: Likely benign for Age related macular degeneration 9. Last evaluated: 2018-01-12. Review status: criteria provided, single submitter. Criteria: ICSL Variant Classification Criteria 13 December 2019. Collection method: clinical testing. Allele origin: germline.
Comment: the same text as in the submission from Illumina Laboratory Services, Illumina above.

Illumina Laboratory Services, Illumina
Classification: Benign for Atypical hemolytic-uremic syndrome with C3 anomaly. Last evaluated: 2018-01-12. Review status: criteria provided, single submitter. Criteria: ICSL Variant Classification Criteria 13 December 2019. Collection method: clinical testing. Allele origin: germline.
Comment: This variant was observed in the ICSL laboratory as part of a predisposition screen in an ostensibly healthy population. It had not been previously curated by ICSL or reported in the Human Gene Mutation Database (HGMD: prior to June 1st, 2018), and was therefore a candidate for classification through an automated scoring system. Utilizing variant allele frequency, disease prevalence and penetrance estimates, and inheritance mode, an automated score was calculated to assess if this variant is too frequent to cause the disease. Based on the score and internal cut-off values, a variant classified as benign is not then subjected to further curation. The score for this variant resulted in a classification of benign for this disease.

NM_000064.4(C3):c.2245+15G>A

Gene: C3 (complement C3; minus strand). Cytogenetic location: 19p13.3.
Variant type: single nucleotide variant.
Coding change: c.2245+15G>A on transcript NM_000064.4 (MANE Select); 15 bases into the intron after coding-DNA position 2245, G replaced by A.
Molecular consequence: intron variant.
Genome position (GRCh38, 1-based): chr19:6,707,061, C>T on the plus strand (G>A on the coding strand, the complement: C3 is on the minus strand). VCF-style: chr19-6707061-C-T. GRCh37 (hg19) VCF-style: chr19-6707072-C-T.
Other names: c.2245+15G>A (LRG_27t1).
Identifiers: ClinVar variation 330309 (VCV000330309.16), dbSNP rs11569434, ClinGen allele CA9129155.
Genomic context (GRCh38, chr19:6,707,061, plus strand): 5'-TCCTCCCTCCTCAGACAGGAGTCTCCTCCCCCATCAGACGGCCCCCTCCCCCTGTCCCCA[C>T]CCCGTGGGACCTACTCCTGGCCAGGCCCAGGTGGCTGGCCCGCGCGTGCTGCCGCCGCAG-3'